The following is an entry in ClinVar:

NM_001148.6(ANK2):c.10223G>T (p.Arg3408Leu)

Gene: ANK2 (ankyrin 2; plus strand). Cytogenetic location: 4q26.
Variant type: single nucleotide variant.
Coding change: c.10223G>T on transcript NM_001148.6 (MANE Select); coding-DNA position 10223, G replaced by T.
Protein change: p.Arg3408Leu; replaces arginine 3408 with leucine.
Molecular consequence: missense variant. On other transcripts: intron variant (68).
Genome position (GRCh38, 1-based): chr4:113,358,841, G>T. VCF-style: chr4-113358841-G-T. GRCh37 (hg19) VCF-style: chr4-114279997-G-T.
Other names: c.9989G>T, p.Arg3330Leu (NM_001386142.1); c.6623G>T, p.Arg2208Leu (NM_001386166.1); c.10364G>T, p.Arg3455Leu (NM_001386174.1); c.10340G>T, p.Arg3447Leu (NM_001386175.1); c.4412-1982G>T (NM_001386186.2, NM_001386148.2); c.4214-1982G>T (NM_001354269.3); c.4292-1982G>T (NM_001386187.2); c.4253-1982G>T (NM_001386147.1); and 35 more; short protein forms R3330L, R3455L, R2208L, R3408L, R3447L.
Identifiers: ClinVar variation 1762469 (VCV001762469.7), dbSNP rs759274800, ClinGen allele CA357939948.

ClinVar aggregate classification (germline): Uncertain significance. Review status: criteria provided, multiple submitters, no conflicts (2 of 4 stars). 2 submissions from 2 submitters: Uncertain significance (2). Last evaluated 2022-03-26.

Conditions:
Long QT syndrome (LQTS). Identifiers: MedGen C0023976, MeSH D008133, MONDO:0002442. Disease mechanism: loss of function. Inheritance: Various modes of inheritance.
Cardiovascular phenotype. Identifiers: MedGen CN230736.

gnomAD v4.1: 3 of 1,613,926 alleles (0.00019%); highest among the groups gnomAD compares: African/African-American, 0.004%; no homozygotes.

Submissions (2):

Labcorp Genetics (formerly Invitae), Labcorp
Classification: Uncertain significance for Long QT syndrome. Last evaluated: 2022-03-26. Review status: criteria provided, single submitter. Criteria: Invitae Variant Classification Sherloc (09022015). Collection method: clinical testing. Allele origin: germline.
Comment: In summary, the available evidence is currently insufficient to determine the role of this variant in disease. Therefore, it has been classified as a Variant of Uncertain Significance. This sequence change replaces arginine, which is basic and polar, with leucine, which is neutral and non-polar, at codon 3408 of the ANK2 protein (p.Arg3408Leu). This variant is present in population databases (no rsID available, gnomAD 0.01%). This variant has not been reported in the literature in individuals affected with ANK2-related conditions. Algorithms developed to predict the effect of missense changes on protein structure and function are either unavailable or do not agree on the potential impact of this missense change (SIFT: "Deleterious"; PolyPhen-2: "Benign"; Align-GVGD: "Class C0").

Ambry Genetics
Classification: Uncertain significance for Cardiovascular phenotype. Last evaluated: 2021-05-01. Review status: criteria provided, single submitter. Criteria: Ambry Variant Classification Scheme 2023. Collection method: clinical testing. Allele origin: germline.
Comment: The p.R3408L variant (also known as c.10223G>T), located in coding exon 38 of the ANK2 gene, results from a G to T substitution at nucleotide position 10223. The arginine at codon 3408 is replaced by leucine, an amino acid with dissimilar properties. This exon is expressed solely in brain (Mohler PJ et al. Circulation. 2007;115(4):432-41). This amino acid position is not well conserved in available vertebrate species. In addition, the in silico prediction for this alteration is inconclusive. Since supporting evidence is limited at this time, the clinical significance of this alteration remains unclear.